The following is an entry in ClinVar:

NM_000493.4(COL10A1):c.1300G>A (p.Gly434Arg)

Genes: COL10A1 (collagen type X alpha 1 chain; minus strand), NT5DC1 (5'-nucleotidase domain containing 1; plus strand). Cytogenetic location: 6q22.1.
Variant type: single nucleotide variant.
Coding change: c.1300G>A on transcript NM_000493.4 (MANE Select); coding-DNA position 1300, G replaced by A.
Protein change: p.Gly434Arg; replaces glycine 434 with arginine.
Molecular consequence: missense variant. On other transcripts: intron variant (1).
Genome position (GRCh38, 1-based): chr6:116,120,816, C>T on the plus strand (G>A on the coding strand, the complement: COL10A1 is on the minus strand). VCF-style: chr6-116120816-C-T. GRCh37 (hg19) VCF-style: chr6-116441979-C-T.
Other names: c.1300G>A, p.Gly434Arg (NM_001424106.1, NM_001424107.1); c.529+2871C>T (NM_152729.3); short protein forms G434R.
Identifiers: ClinVar variation 4526524 (VCV004526524.4).

ClinVar aggregate classification (germline): Uncertain significance. Review status: criteria provided, multiple submitters, no conflicts (2 of 4 stars). 3 submissions from 3 submitters: Uncertain significance (3). Last evaluated 2026-04-15.

Conditions:
Metaphyseal chondrodysplasia, Schmid type (MCDS). Also called: SPONDYLOMETAPHYSEAL DYSPLASIA, JAPANESE TYPE. Identifiers: Orphanet 174, MedGen C0265289, MONDO:0007983, OMIM 156500.

gnomAD v4.1: 14 of 1,612,736 alleles (0.00087%); highest among the groups gnomAD compares: Non-Finnish European, 0.0012%; no homozygotes.

Submissions (3):

Victorian Clinical Genetics Services, Murdoch Childrens Research Institute
Classification: Uncertain significance for Metaphyseal chondrodysplasia, Schmid type. Last evaluated: 2026-04-15. Review status: criteria provided, single submitter. Criteria: ACMG Guidelines, 2015. Collection method: clinical testing. Allele origin: germline. Affected: yes.
Comment: This variant is classified as VUS-3B. Evidence in support of pathogenic classification: Variant is present in gnomAD <0.001 for a dominant condition (v4: 14 heterozygote(s), 0 homozygote(s)); Variant is located in the well-established Gly-X-Y motif in the collagen triple helical domain. However, few likely pathogenic or pathogenic variants have been reported in this domain, including glycine substitutions (DECIPHER, ClinGen); Missense variant predicted to be damaging by in silico tool(s) or highly conserved with a major amino acid change. Additional information: Variant is predicted to result in a missense amino acid change from Gly to Arg; This variant is heterozygous; This gene is associated with autosomal dominant disease; Previous evidence of pathogenicity for this variant is inconclusive. This variant has been identified in an individual with short stature and has been classified as a VUS (ClinVar); No published evidence of segregation with disease has been identified for this variant; No published functional evidence has been identified for this variant; No comparable missense variants have previous evidence for pathogenicity; Variants in this gene are known to have variable expressivity (PMIDs:16088909, 31633898).

Dasa
Classification: Uncertain significance. Last evaluated: 2026-02-18. Review status: criteria provided, single submitter. Criteria: DASA Assertion Criteria. Collection method: clinical testing. Allele origin: germline.
Comment: NM_000493.4(COL10A1):c.1300G>A (p.Gly434Arg) is a missense variant that results in the substitution of glycine with arginine. This variant is rare in population databases. Computational prediction algorithms are consistent with a deleterious effect. The currently available literature and clinical evidence are not sufficient to establish a definitive association between this variant and the reported condition. Therefore, this variant is classified as a variant of uncertain significance.

MVZ Medizinische Genetik Mainz
Classification: Uncertain significance for Metaphyseal chondrodysplasia, Schmid type. Last evaluated: 2025-09-22. Review status: criteria provided, single submitter. Criteria: UK Practice Guidelines For Variant Classification V4 01 2020. Collection method: clinical testing. Allele origin: germline. Inheritance: Autosomal dominant inheritance. Affected: yes. Observed: 1 variant allele.
Comment: ACMG Criteria: PP3_MOD,PM2_SUP

Literature cited by the submitters: PubMed 16088909 (cited by Victorian Clinical Genetics Services, Murdoch Childrens Research Institute); PubMed 31633898 (cited by Victorian Clinical Genetics Services, Murdoch Childrens Research Institute).